The following is an entry in ClinVar:

NM_003002.4(SDHD):c.269C>T (p.Ala90Val)

Gene: SDHD (succinate dehydrogenase complex subunit D; plus strand). Cytogenetic location: 11q23.1.
Variant type: single nucleotide variant.
Coding change: c.269C>T on transcript NM_003002.4 (MANE Select); coding-DNA position 269, C replaced by T.
Protein change: p.Ala90Val; replaces alanine 90 with valine.
Molecular consequence: missense variant. On other transcripts: non-coding transcript variant (1), intron variant (1).
Genome position (GRCh38, 1-based): chr11:112,088,966, C>T. VCF-style: chr11-112088966-C-T. GRCh37 (hg19) VCF-style: chr11-111959690-C-T.
Other names: c.152C>T, p.Ala51Val (NM_001276504.2); c.269C>T, p.Ala90Val (NM_001276506.2); c.169+993C>T (NM_001276503.2); short protein forms A90V, A51V.
Identifiers: ClinVar variation 412511 (VCV000412511.65), dbSNP rs200255724, ClinGen allele CA070974.

ClinVar aggregate classification (germline): Conflicting classifications of pathogenicity. Review status: criteria provided, conflicting classifications (1 of 4 stars). 7 submissions from 7 submitters: Uncertain significance (3); Likely benign (4). Last evaluated 2026-01-25.

Conditions:
Pheochromocytoma. Also called: MAX-Related Hereditary Paraganglioma-Pheochromocytoma Syndrome. Identifiers: Orphanet 29072, MedGen C0031511, MONDO:0008233, OMIM 171300, HP:0002666.
Paragangliomas with sensorineural hearing loss. Identifiers: MedGen C1868633.
Carney-Stratakis syndrome. Also called: PARAGANGLIOMA AND GASTROINTESTINAL STROMAL TUMOR. Identifiers: Orphanet 97286, MedGen C1847319, MONDO:0011740, OMIM 606864.
Cowden syndrome 3 (CWS3). Identifiers: Orphanet 201, MedGen CN166604, MONDO:0014045.
Cowden syndrome (CS). Also called: Cowden's disease; Cowden's syndrome; Cowden disease. Identifiers: Orphanet 201, MedGen C0018553, MONDO:0016063. Disease mechanism: gain of function.
Hereditary cancer-predisposing syndrome. Also called: Hereditary Cancer Syndrome; Tumor predisposition; Hereditary neoplastic syndrome; Neoplastic Syndromes, Hereditary. Identifiers: Orphanet 140162, MedGen C0027672, MeSH D009386, MONDO:0015356.
Hereditary pheochromocytoma and paraganglioma. Also called: Hereditary Paraganglioma-Pheochromocytoma Syndromes; Hereditary paragangliomas and pheochromocytomas; Hereditary pheochromocytoma-paraganglioma. Identifiers: Orphanet 29072, MedGen C4274332, MONDO:0017366.

Allele frequency attached by ClinVar (database versions not stated): gnomAD below 0.00001; TOPMed below 0.00001.
gnomAD v4.1: 119 of 1,614,014 alleles (0.0074%); highest among the groups gnomAD compares: South Asian, 0.11%; 1 homozygote.

Submissions (7):

Labcorp Genetics (formerly Invitae), Labcorp
Classification: Likely benign for Carney-Stratakis syndrome; Paragangliomas with sensorineural hearing loss; Pheochromocytoma; Cowden syndrome 3. Last evaluated: 2026-01-25. Review status: criteria provided, single submitter. Criteria: Invitae Variant Classification Sherloc (09022015). Collection method: clinical testing. Allele origin: germline.

GeneDx
Classification: Uncertain significance. Last evaluated: 2025-07-16. Review status: criteria provided, single submitter. Criteria: GeneDx Variant Classification Process June 2021. Collection method: clinical testing. Allele origin: germline. Affected: yes.
Comment: In silico analysis suggests that this missense variant does not alter protein structure/function; Has not been previously published as pathogenic or benign to our knowledge; This variant is associated with the following publications: (PMID: 14985401)

Quest Diagnostics Nichols Institute San Juan Capistrano
Classification: Likely benign. Last evaluated: 2025-06-17. Review status: criteria provided, single submitter. Criteria: Quest Diagnostics criteria. Collection method: clinical testing. Allele origin: unknown.

Color Diagnostics, LLC DBA Color Health
Classification: Likely benign for Hereditary pheochromocytoma and paraganglioma. Last evaluated: 2023-03-08. Review status: criteria provided, single submitter. Criteria: ACMG Guidelines, 2015. Collection method: clinical testing. Allele origin: germline.

Ambry Genetics
Classification: Likely benign for Hereditary cancer-predisposing syndrome. Last evaluated: 2021-10-04. Review status: criteria provided, single submitter. Criteria: Ambry Variant Classification Scheme 2023. Collection method: clinical testing. Allele origin: germline.

Department of Pathology and Laboratory Medicine, Sinai Health System
Classification: Uncertain significance for Cowden syndrome. Last evaluated: 2021-07-09. Review status: criteria provided, single submitter. Criteria: ACMG Guidelines, 2015. Collection method: clinical testing. Allele origin: germline. Affected: yes.

Genetic Services Laboratory, University of Chicago
Classification: Uncertain significance. Last evaluated: 2021-06-09. Review status: criteria provided, single submitter. Criteria: ACMG Guidelines, 2015. Collection method: clinical testing. Allele origin: germline. Affected: no.
Comment: DNA sequence analysis of the SDHD gene demonstrated a sequence change, c.269C>T, in exon 3 that results in an amino acid change, p.Ala90Val. This sequence change has been described gnomAD with a frequency of 0.091% in the South Asian sub-population (dbSNP rs200255724). The p.Ala90Val change affects a poorly conserved amino acid residue located in a domain of the SDHD protein that is known to be functional. The p.Ala90Val substitution appears to be tolerated using several in-silico pathogenicity prediction tools (SIFT, PolyPhen2, Align GVGD, REVEL). This sequence change does not appear to have been previously described in patients with SDHD-related disorders. Due to the lack of sufficient evidences, the clinical significance of the p.Ala90Val change remains unknown at this time.

Literature cited by the submitters: PubMed 34301788 (cited by Quest Diagnostics Nichols Institute San Juan Capistrano); PubMed 29618732 (cited by Quest Diagnostics Nichols Institute San Juan Capistrano); PubMed 35788723 (cited by Quest Diagnostics Nichols Institute San Juan Capistrano); PubMed 14985401 (cited by Ambry Genetics).